The following is an entry in ClinVar:

ClinVar aggregate classification (germline): Likely benign. Review status: criteria provided, multiple submitters, no conflicts (2 of 4 stars). 2 submissions from 2 submitters: Likely benign (2). Last evaluated 2025-05-01.

Conditions:
Dextro-looped transposition of the great arteries. Also called: Dextrotransposition of the great arteries. Identifiers: Orphanet 860, MedGen C3531771, MONDO:0019443, OMIM 608808, HP:0031348.

gnomAD v4.1: 28 of 1,614,214 alleles (0.0017%); highest among the groups gnomAD compares: Non-Finnish European, 0.0024%; no homozygotes.

Submissions (2):

CeGaT Center for Human Genetics Tuebingen
Classification: Likely benign. Last evaluated: 2025-05-01. Review status: criteria provided, single submitter. Criteria: CeGaT Center For Human Genetics Tuebingen Variant Classification Criteria Version 2. Collection method: clinical testing. Allele origin: germline. Affected: yes. Observed: 2 variant alleles.
Comment: MED13L: BP4

Labcorp Genetics (formerly Invitae), Labcorp
Classification: Likely benign for Dextro-looped transposition of the great arteries. Last evaluated: 2024-10-24. Review status: criteria provided, single submitter. Criteria: Invitae Variant Classification Sherloc (09022015). Collection method: clinical testing. Allele origin: germline.

NM_015335.5(MED13L):c.6582C>T (p.Val2194=)

Gene: MED13L (mediator complex subunit 13L; minus strand). Cytogenetic location: 12q24.21.
Variant type: single nucleotide variant.
Coding change: c.6582C>T on transcript NM_015335.5 (MANE Select); coding-DNA position 6582, C replaced by T.
Protein change: p.Val2194=; no amino-acid change (valine 2194 retained).
Molecular consequence: synonymous variant.
Genome position (GRCh38, 1-based): chr12:115,961,317, G>A on the plus strand (C>T on the coding strand, the complement: MED13L is on the minus strand). VCF-style: chr12-115961317-G-A. GRCh37 (hg19) VCF-style: chr12-116399122-G-A.
Identifiers: ClinVar variation 2074262 (VCV002074262.28), dbSNP rs956746436, ClinGen allele CA244127772.
Genomic context (GRCh38, chr12:115,961,317, plus strand): 5'-CTTTTCCAATTAAAGTATATTCATGATGGCATTGTACAACTGAGTGAGCACCACAAAGTG[G>A]ACGGGAAGGCAGGAAGTACGGTCCTGGGTGGCCGGATTGCACGTGAGCCAGGACAGAGCG-3'
Protein context (NP_056150.1, residues 2184-2204): ATQDRTSCLP[Val2194=]HFVVLTQLYN